The following is an entry in ClinVar:

ClinVar aggregate classification (germline): Uncertain significance (1 of 4 stars; one submission).

Conditions:
Methylcobalamin deficiency type cblG (HMAG). Also called: HOMOCYSTINURIA-MEGALOBLASTIC ANEMIA, cblG TYPE; HOMOCYSTINURIA-MEGALOBLASTIC ANEMIA DUE TO DEFECT IN COBALAMIN METABOLISM, cblG COMPLEMENTATION TYPE; Functional methionine synthase deficiency type cblG; HOMOCYSTINURIA-MEGALOBLASTIC ANEMIA, cblG COMPLEMENTATION TYPE. Identifiers: Orphanet 2170, Orphanet 622, MedGen C1855128, MONDO:0009609, OMIM 250940.

Allele frequency attached by ClinVar (database versions not stated): ExAC 0.00001; gnomAD 0.00001; gnomAD exomes 0.00001; TOPMed 0.00001.
gnomAD v4.1: 6 of 1,614,042 alleles (0.00037%); highest among the groups gnomAD compares: Admixed American, 0.0033%; no homozygotes.

Submission:

Labcorp Genetics (formerly Invitae), Labcorp
Classification: Uncertain significance for Methylcobalamin deficiency type cblG. Last evaluated: 2022-05-27. Review status: criteria provided, single submitter. Criteria: Invitae Variant Classification Sherloc (09022015). Collection method: clinical testing. Allele origin: germline.
Comment: This sequence change replaces methionine, which is neutral and non-polar, with isoleucine, which is neutral and non-polar, at codon 942 of the MTR protein (p.Met942Ile). This variant is present in population databases (rs773509459, gnomAD 0.006%). This variant has not been reported in the literature in individuals affected with MTR-related conditions. Algorithms developed to predict the effect of missense changes on protein structure and function output the following: SIFT: "Tolerated"; PolyPhen-2: "Benign"; Align-GVGD: "Class C0". The isoleucine amino acid residue is found in multiple mammalian species, which suggests that this missense change does not adversely affect protein function. Algorithms developed to predict the effect of sequence changes on RNA splicing suggest that this variant may disrupt the consensus splice site. In summary, the available evidence is currently insufficient to determine the role of this variant in disease. Therefore, it has been classified as a Variant of Uncertain Significance.

NM_000254.3(MTR):c.2826G>A (p.Met942Ile)

Gene: MTR (5-methyltetrahydrofolate-homocysteine methyltransferase; plus strand). Cytogenetic location: 1q43.
Variant type: single nucleotide variant.
Coding change: c.2826G>A on transcript NM_000254.3 (MANE Select); coding-DNA position 2826, G replaced by A.
Protein change: p.Met942Ile; replaces methionine 942 with isoleucine.
Molecular consequence: missense variant.
Genome position (GRCh38, 1-based): chr1:236,886,342, G>A. VCF-style: chr1-236886342-G-A. GRCh37 (hg19) VCF-style: chr1-237049642-G-A.
Other names: c.2673G>A, p.Met891Ile (NM_001291939.1); c.1605G>A, p.Met535Ile (NM_001291940.2); c.2637G>A, p.Met879Ile (NM_001410942.1); short protein forms M879I, M942I, M891I, M535I.
Identifiers: ClinVar variation 1914294 (VCV001914294.2), dbSNP rs773509459, ClinGen allele CA1474525.